The following is an entry in ClinVar:

ClinVar aggregate classification (germline): Uncertain significance. Review status: criteria provided, multiple submitters, no conflicts (2 of 4 stars). 2 submissions from 2 submitters: Uncertain significance (2). Last evaluated 2025-02-10.

Conditions:
Cardiovascular phenotype. Identifiers: MedGen CN230736.
Hypertrophic cardiomyopathy 14. Identifiers: MedGen C2750467, MONDO:0013197, OMIM 613251.

Allele frequency attached by ClinVar (database versions not stated): gnomAD exomes below 0.00001.
gnomAD v4.1: 5 of 1,614,182 alleles (0.00031%); highest among the groups gnomAD compares: Non-Finnish European, 0.00042%; no homozygotes.

Submissions (2):

Ambry Genetics
Classification: Uncertain significance for Cardiovascular phenotype. Last evaluated: 2025-02-10. Review status: criteria provided, single submitter. Criteria: Ambry Variant Classification Scheme 2023. Collection method: clinical testing. Allele origin: germline.
Comment: The p.D908G variant (also known as c.2723A>G), located in coding exon 20 of the MYH6 gene, results from an A to G substitution at nucleotide position 2723. The aspartic acid at codon 908 is replaced by glycine, an amino acid with similar properties. This amino acid position is conserved. In addition, the in silico prediction for this alteration is inconclusive. Based on the available evidence, the clinical significance of this variant remains unclear.

Labcorp Genetics (formerly Invitae), Labcorp
Classification: Uncertain significance for Hypertrophic cardiomyopathy 14. Last evaluated: 2022-01-26. Review status: criteria provided, single submitter. Criteria: Invitae Variant Classification Sherloc (09022015). Collection method: clinical testing. Allele origin: germline.
Comment: In summary, the available evidence is currently insufficient to determine the role of this variant in disease. Therefore, it has been classified as a Variant of Uncertain Significance. Algorithms developed to predict the effect of missense changes on protein structure and function are either unavailable or do not agree on the potential impact of this missense change (SIFT: "Deleterious"; PolyPhen-2: "Possibly Damaging"; Align-GVGD: "Class C0"). This variant has not been reported in the literature in individuals affected with MYH6-related conditions. This variant is present in population databases (no rsID available, gnomAD 0.007%). This sequence change replaces aspartic acid, which is acidic and polar, with glycine, which is neutral and non-polar, at codon 908 of the MYH6 protein (p.Asp908Gly).

NM_002471.4(MYH6):c.2723A>G (p.Asp908Gly)

Gene: MYH6 (myosin heavy chain 6; minus strand). Cytogenetic location: 14q11.2.
Variant type: single nucleotide variant.
Coding change: c.2723A>G on transcript NM_002471.4 (MANE Select); coding-DNA position 2723, A replaced by G.
Protein change: p.Asp908Gly; replaces aspartic acid 908 with glycine.
Molecular consequence: missense variant.
Genome position (GRCh38, 1-based): chr14:23,393,871, T>C on the plus strand (A>G on the coding strand, the complement: MYH6 is on the minus strand). VCF-style: chr14-23393871-T-C. GRCh37 (hg19) VCF-style: chr14-23863080-T-C.
Other names: short protein forms D908G.
Identifiers: ClinVar variation 2078978 (VCV002078978.5), dbSNP rs1327143086, ClinGen allele CA389013214.
Genomic context (GRCh38, chr14:23,393,871, plus strand): 5'-AGCCTCTCATTCATCTCCTTTACTTTGGCCTCCAGCTGAATCTTGTTTTTGATCAGCTGG[T>C]CGCAGCGCTCCTCAGCATCATTGAGGTTGTCTTGTTCCTGGGAGAAGAGAACAGGGAGGA-3'
Protein context (NP_002462.2, residues 898-918): DNLNDAEERC[Asp908Gly]QLIKNKIQLE